The following is an entry in ClinVar:

NM_001001344.3(ATP2B3):c.2929G>T (p.Val977Phe)

Gene: ATP2B3 (ATPase plasma membrane Ca2+ transporting 3; plus strand). Cytogenetic location: Xq28.
Variant type: single nucleotide variant.
Coding change: c.2929G>T on transcript NM_001001344.3 (MANE Select); coding-DNA position 2929, G replaced by T.
Protein change: p.Val977Phe; replaces valine 977 with phenylalanine.
Molecular consequence: missense variant.
Genome position (GRCh38, 1-based): chrX:153,560,765, G>T. VCF-style: chrX-153560765-G-T. GRCh37 (hg19) VCF-style: chrX-152826223-G-T.
Other names: c.2929G>T, p.Val977Phe (NM_001388360.1, NM_001388361.1, NM_001388362.1 and 1 more transcripts); c.2887G>T, p.Val963Phe (NM_001410708.1); short protein forms V963F, V977F.
Identifiers: ClinVar variation 3770730 (VCV003770730.13).

ClinVar aggregate classification (germline): Uncertain significance (1 of 4 stars; one submission).

Submission:

CeGaT Center for Human Genetics Tuebingen
Classification: Uncertain significance. Last evaluated: 2024-12-01. Review status: criteria provided, single submitter. Criteria: CeGaT Center For Human Genetics Tuebingen Variant Classification Criteria Version 2. Collection method: clinical testing. Allele origin: germline. Affected: yes. Observed: 1 variant allele.
Comment: ATP2B3: PM2, PP3, PS2:Supporting